The following is an entry in ClinVar:

ClinVar aggregate classification (germline): Pathogenic/Likely pathogenic. Review status: criteria provided, multiple submitters, no conflicts (2 of 4 stars). 6 submissions from 6 submitters: Pathogenic (4); Likely pathogenic (2). Last evaluated 2025-08-05.

Conditions:
NF1-related disorder. Also called: NF1-related condition. Identifiers: MedGen CN379171.
Neurofibromatosis, type 1 (NF1). Also called: NEUROFIBROMATOSIS, TYPE I, SOMATIC; VON RECKLINGHAUSEN DISEASE; Peripheral type neurofibromatosis; Neurofibromatosis, type I. Identifiers: Orphanet 636, MedGen C0027831, MONDO:0018975, OMIM 162200. Disease mechanism: loss of function.

Submissions (6):

GeneDx
Classification: Pathogenic. Last evaluated: 2025-08-05. Review status: criteria provided, single submitter. Criteria: GeneDx Variant Classification Process June 2021. Collection method: clinical testing. Allele origin: germline. Affected: yes.
Comment: Canonical splice site variant predicted to result in a null allele in a gene for which loss of function is a known mechanism of disease; Not observed at significant frequency in large population cohorts (gnomAD); Has not been previously published as pathogenic or benign to our knowledge

Women's Health and Genetics/Laboratory Corporation of America, LabCorp
Classification: Pathogenic for Neurofibromatosis, type 1. Last evaluated: 2025-06-03. Review status: criteria provided, single submitter. Criteria: LabCorp Variant Classification Summary - May 2015. Collection method: clinical testing. Allele origin: germline.
Comment: Variant summary: NF1 c.730+1G>T is located in a canonical splice-site and is predicted to affect mRNA splicing resulting in a significantly altered protein due to either exon skipping, shortening, or inclusion of intronic material. Variants that disrupt the consensus splice site are a relatively common cause of aberrant splicing and loss of NF1 function. Several computational tools predict a significant impact on normal splicing: Three predict the variant abolishes a 5' splicing donor site. One predicts the variant no significant impact on splicing. One predicts the variant creates a 3' acceptor site. However, these predictions have yet to be confirmed by functional studies. The frequency data for this variant in gnomAD is considered unreliable, as metrics indicate poor data quality at this position. To our knowledge, no occurrence of c.730+1G>T in individuals affected with Neurofibromatosis Type 1 and no experimental evidence demonstrating its impact on protein function have been reported. However, a different variant at the same 5' donor site (c.730+1G>C) has been classified by our laboratory as Pathogenic for NF1-related conditions (PMID: 21354044, 22190595, 23404336, 31717729, 9298829, internal data). ClinVar contains an entry for this variant (Variation ID: 547571). Based on the evidence outlined above, the variant was classified as pathogenic.

Swedish National ChiCaP Initative, Genomic Medicine Sweden
Classification: Pathogenic for NF1-related disorder. Last evaluated: 2024-05-01. Review status: criteria provided, single submitter. Criteria: ACMG Guidelines, 2015. Collection method: clinical testing. Allele origin: de novo. Affected: yes.

Genome-Nilou Lab
Classification: Likely pathogenic for Neurofibromatosis, type 1. Last evaluated: 2022-03-15. Review status: criteria provided, single submitter. Criteria: ACMG Guidelines, 2015. Collection method: clinical testing. Allele origin: germline. Affected: no.

Labcorp Genetics (formerly Invitae), Labcorp
Classification: Pathogenic for Neurofibromatosis, type 1. Last evaluated: 2020-10-15. Review status: criteria provided, single submitter. Criteria: Invitae Variant Classification Sherloc (09022015). Collection method: clinical testing. Allele origin: germline.
Comment: This sequence change affects a donor splice site in intron 7 of the NF1 gene. It is expected to disrupt RNA splicing and likely results in an absent or disrupted protein product. This variant is not present in population databases (ExAC no frequency). Disruption of this splice site has been observed in several individuals affected with neurofibromatosis type 1 (PMID: 21354044, 22190595). ClinVar contains an entry for this variant (Variation ID: 547571). Donor and acceptor splice site variants typically lead to a loss of protein function (PMID: 16199547), and loss-of-function variants in NF1 are known to be pathogenic (PMID: 10712197, 23913538). For these reasons, this variant has been classified as Pathogenic.

Center for Human Genetics, Inc
Classification: Likely pathogenic for Neurofibromatosis, type 1. Last evaluated: 2016-11-01. Review status: criteria provided, single submitter. Criteria: ACMG Guidelines, 2015. Collection method: clinical testing. Allele origin: germline. Affected: yes.

Literature cited by the submitters: PubMed 21354044 (cited by Labcorp Genetics (formerly Invitae), Labcorp); PubMed 22190595 (cited by Labcorp Genetics (formerly Invitae), Labcorp); PubMed 16199547 (cited by Labcorp Genetics (formerly Invitae), Labcorp); PubMed 10712197 (cited by Labcorp Genetics (formerly Invitae), Labcorp); PubMed 23913538 (cited by Labcorp Genetics (formerly Invitae), Labcorp).

NM_001042492.3(NF1):c.730+1G>T

Gene: NF1 (neurofibromin 1; plus strand). Cytogenetic location: 17q11.2.
Variant type: single nucleotide variant.
Coding change: c.730+1G>T on transcript NM_001042492.3 (MANE Select); the canonical splice donor site of the intron after coding-DNA position 730, G replaced by T.
Molecular consequence: splice donor variant.
Genome position (GRCh38, 1-based): chr17:31,181,786, G>T. VCF-style: chr17-31181786-G-T. GRCh37 (hg19) VCF-style: chr17-29508804-G-T.
Other names: c.730+1G>T (NM_000267.4, NM_001128147.3).
Identifiers: ClinVar variation 547571 (VCV000547571.10), dbSNP rs1060500274, ClinGen allele CA398990265.